The following is an entry in ClinVar:

ClinVar aggregate classification (germline): Uncertain significance. Review status: criteria provided, multiple submitters, no conflicts (2 of 4 stars). 2 submissions from 2 submitters: Uncertain significance (2). Last evaluated 2022-03-16.

Conditions:
Inborn genetic diseases. Identifiers: MedGen C0950123, MeSH D030342.
Hereditary spastic paraplegia 11. Also called: Spastic paraplegia, mental retardation and thin corpus callosum; Nakamura Osame syndrome; Autosomal recessive hereditary spastic paraplegia, mental impairment, and thin corpus callosum; SPASTIC PARAPLEGIA, AUTOSOMAL RECESSIVE, COMPLICATED, WITH THIN CORPUS CALLOSUM; SPASTIC PARAPLEGIA, AUTOSOMAL RECESSIVE, WITH MENTAL IMPAIRMENT AND THIN CORPUS CALLOSUM; Spastic Paraplegia 11. Identifiers: Orphanet 2822, MedGen C1858479, MONDO:0011445, OMIM 604360.

Allele frequency attached by ClinVar (database versions not stated): gnomAD exomes below 0.00001 and 0.00001; gnomAD 0.00001; ExAC 0.00002; TOPMed 0.00002.
gnomAD v4.1: 4 of 1,613,622 alleles (0.00025%); highest among the groups gnomAD compares: Admixed American, 0.0067%; no homozygotes.

Submissions (2):

Ambry Genetics
Classification: Uncertain significance for Inborn genetic diseases. Last evaluated: 2022-03-16. Review status: criteria provided, single submitter. Criteria: Ambry Variant Classification Scheme 2023. Collection method: clinical testing. Allele origin: germline.

Labcorp Genetics (formerly Invitae), Labcorp
Classification: Uncertain significance for Hereditary spastic paraplegia 11. Last evaluated: 2021-08-30. Review status: criteria provided, single submitter. Criteria: Invitae Variant Classification Sherloc (09022015). Collection method: clinical testing. Allele origin: germline.
Comment: This sequence change replaces threonine with alanine at codon 1169 of the SPG11 protein (p.Thr1169Ala). The threonine residue is moderately conserved and there is a small physicochemical difference between threonine and alanine. This variant is present in population databases (rs760533714, ExAC 0.02%). This variant has not been reported in the literature in individuals affected with SPG11-related conditions. Algorithms developed to predict the effect of missense changes on protein structure and function are either unavailable or do not agree on the potential impact of this missense change (SIFT: "Tolerated"; PolyPhen-2: "Possibly Damaging"; Align-GVGD: "Class C0"). In summary, the available evidence is currently insufficient to determine the role of this variant in disease. Therefore, it has been classified as a Variant of Uncertain Significance.

NM_025137.4(SPG11):c.3505A>G (p.Thr1169Ala)

Gene: SPG11 (SPG11 vesicle trafficking associated, spatacsin; minus strand). Cytogenetic location: 15q21.1.
Variant type: single nucleotide variant.
Coding change: c.3505A>G on transcript NM_025137.4 (MANE Select); coding-DNA position 3505, A replaced by G.
Protein change: p.Thr1169Ala; replaces threonine 1169 with alanine.
Molecular consequence: missense variant.
Genome position (GRCh38, 1-based): chr15:44,606,040, T>C on the plus strand (A>G on the coding strand, the complement: SPG11 is on the minus strand). VCF-style: chr15-44606040-T-C. GRCh37 (hg19) VCF-style: chr15-44898238-T-C.
Other names: c.3505A>G, p.Thr1169Ala (NM_001160227.2); short protein forms T1169A.
Identifiers: ClinVar variation 843004 (VCV000843004.7), dbSNP rs760533714, ClinGen allele CA7534951.